The following is an entry in ClinVar:

NM_000435.3(NOTCH3):c.1783G>A (p.Gly595Ser)

Gene: NOTCH3 (notch receptor 3; minus strand). Cytogenetic location: 19p13.12.
Variant type: single nucleotide variant.
Coding change: c.1783G>A on transcript NM_000435.3 (MANE Select); coding-DNA position 1783, G replaced by A.
Protein change: p.Gly595Ser; replaces glycine 595 with serine.
Molecular consequence: missense variant.
Genome position (GRCh38, 1-based): chr19:15,187,162, C>T on the plus strand (G>A on the coding strand, the complement: NOTCH3 is on the minus strand). VCF-style: chr19-15187162-C-T. GRCh37 (hg19) VCF-style: chr19-15297973-C-T.
Other names: p.Gly595Ser; short protein forms G595S.
Identifiers: ClinVar variation 1678078 (VCV001678078.3), dbSNP rs770146452, ClinGen allele CA9263547.

ClinVar aggregate classification (germline): Conflicting classifications of pathogenicity. Review status: criteria provided, conflicting classifications (1 of 4 stars). 3 submissions from 3 submitters: Uncertain significance (2); Likely benign (1). Last evaluated 2025-07-16.

Conditions:
Cerebral arteriopathy, autosomal dominant, with subcortical infarcts and leukoencephalopathy, type 1 (CADASIL1). Also called: CADASIL 1; DEMENTIA, HEREDITARY MULTIINFARCT TYPE; CASIL; Cerebral arteriopathy with subcortical infarcts and leukoencephalopathy 1. Identifiers: Orphanet 136, MedGen C4551768, MONDO:0000914, OMIM 125310.
Lateral meningocele syndrome (LMNS). Also called: NOTCH3-Related Lateral Meningocele Syndrome. Identifiers: Orphanet 2789, MedGen C1851710, MONDO:0007537, OMIM 130720.
Myofibromatosis, infantile, 2. Identifiers: Orphanet 2591, MedGen C3809084, MONDO:0014122, OMIM 615293.

Allele frequency attached by ClinVar (database versions not stated): gnomAD exomes below 0.00001 and 0.00002; gnomAD 0.00001; ExAC 0.00002; TOPMed 0.00002.
gnomAD v4.1: 7 of 1,614,026 alleles (0.00043%); highest among the groups gnomAD compares: Admixed American, 0.0017%; no homozygotes.

Submissions (3):

Mayo Clinic Laboratories, Mayo Clinic
Classification: Likely benign. Last evaluated: 2025-07-16. Review status: criteria provided, single submitter. Criteria: ACMG Guidelines, 2015. Collection method: clinical testing. Allele origin: germline. Observed: 1 variant allele.
Comment: BP1, BP2, PP3_moderate

Fulgent Genetics
Classification: Uncertain significance for Cerebral arteriopathy, autosomal dominant, with subcortical infarcts and leukoencephalopathy, type 1; Lateral meningocele syndrome; Myofibromatosis, infantile, 2. Last evaluated: 2022-04-11. Review status: criteria provided, single submitter. Criteria: ACMG Guidelines, 2015. Collection method: clinical testing. Allele origin: unknown.

AiLife Diagnostics
Classification: Uncertain significance. Last evaluated: 2022-03-24. Review status: criteria provided, single submitter. Criteria: ACMG Guidelines, 2015. Collection method: clinical testing. Allele origin: germline. Affected: yes. Observed: 1 variant allele.